The following is an entry in ClinVar:

ClinVar aggregate classification (germline): Uncertain significance (1 of 4 stars; one submission).

Conditions:
Gastrointestinal stromal tumor. Also called: Gastrointestinal stromal tumor, somatic; Gastrointestinal stroma tumor. Identifiers: Orphanet 44890, MedGen C0238198, MeSH D046152, MONDO:0011719, OMIM 606764, HP:0100723.

Submission:

Labcorp Genetics (formerly Invitae), Labcorp
Classification: Uncertain significance for Gastrointestinal stromal tumor. Last evaluated: 2023-04-06. Review status: criteria provided, single submitter. Criteria: Invitae Variant Classification Sherloc (09022015). Collection method: clinical testing. Allele origin: germline.
Comment: This sequence change replaces aspartic acid, which is acidic and polar, with glutamic acid, which is acidic and polar, at codon 125 of the PDGFRA protein (p.Asp125Glu). This variant is not present in population databases (gnomAD no frequency). This variant has not been reported in the literature in individuals affected with PDGFRA-related conditions. Advanced modeling of protein sequence and biophysical properties (such as structural, functional, and spatial information, amino acid conservation, physicochemical variation, residue mobility, and thermodynamic stability) performed at Invitae indicates that this missense variant is not expected to disrupt PDGFRA protein function. In summary, the available evidence is currently insufficient to determine the role of this variant in disease. Therefore, it has been classified as a Variant of Uncertain Significance.

NM_006206.6(PDGFRA):c.375T>A (p.Asp125Glu)

Gene: PDGFRA (platelet derived growth factor receptor alpha; plus strand). Cytogenetic location: 4q12.
Variant type: single nucleotide variant.
Coding change: c.375T>A on transcript NM_006206.6 (MANE Select); coding-DNA position 375, T replaced by A.
Protein change: p.Asp125Glu; replaces aspartic acid 125 with glutamic acid.
Molecular consequence: missense variant.
Genome position (GRCh38, 1-based): chr4:54,263,674, T>A. VCF-style: chr4-54263674-T-A. GRCh37 (hg19) VCF-style: chr4-55129841-T-A.
Other names: c.375T>A, p.Asp125Glu (NM_001347827.2, NM_001347829.2); c.450T>A, p.Asp150Glu (NM_001347828.2); c.414T>A, p.Asp138Glu (NM_001347830.2); short protein forms D125E, D138E, D150E.
Identifiers: ClinVar variation 2852305 (VCV002852305.3), dbSNP rs2110250482, ClinGen allele CA356889604.